The following is an entry in ClinVar:

NM_001267550.2(TTN):c.51624_51654dup (p.Gln17219delinsSerLysArgThrTer)

Genes: TTN-AS1 (TTN antisense RNA 1; plus strand), TTN (titin; minus strand). Cytogenetic location: 2q31.2.
Variant type: Duplication.
Coding change: c.51624_51654dup on transcript NM_001267550.2 (MANE Select); coding-DNA positions 51624 to 51654, 31 bases duplicated.
Protein change: p.Gln17219delinsSerLysArgThrTer.
Molecular consequence: nonsense.
Genome position (GRCh38, 1-based): chr2:178,609,769-178,609,799, 31 bases duplicated; duplicating any 31 consecutive bases within chr2:178,609,769-178,609,802 gives the same sequence; the c. name uses the placement nearest the transcript's 3' end. GRCh37 (hg19): chr2:179,474,499-179,474,529.
Other names: c.51624_51654dupAGCAAAAGGACTTGAAGAGGGGAAAGAGTAC (NM_001267550.2); c.46701_46731dup, p.Gln15578delinsSerLysArgThrTer (NM_001256850.1); c.24429_24459dup, p.Gln8154delinsSerLysArgThrTer (NM_003319.4); c.43920_43950dup, p.Gln14651delinsSerLysArgThrTer (NM_133378.4); c.24804_24834dup, p.Gln8279delinsSerLysArgThrTer (NM_133432.3); c.25005_25035dup, p.Gln8346delinsSerLysArgThrTer (NM_133437.4); c.46701_46731dupAGCAAAAGGACTTGAAGAGGGGAAAGAGTAC (NM_001256850.1); c.24429_24459dupAGCAAAAGGACTTGAAGAGGGGAAAGAGTAC (NM_003319.4).
Identifiers: ClinVar variation 466635 (VCV000466635.17), dbSNP rs1553692107, ClinGen allele CA658657165.

ClinVar aggregate classification (germline): Likely pathogenic. Review status: criteria provided, multiple submitters, no conflicts (2 of 4 stars). 4 submissions from 4 submitters: Likely pathogenic (4). Last evaluated 2023-04-06.

Conditions:
Autosomal recessive limb-girdle muscular dystrophy type 2J (LGMDR10). Also called: Limb-girdle muscular dystrophy, type 2J; MUSCULAR DYSTROPHY, LIMB-GIRDLE, AUTOSOMAL RECESSIVE 10. Identifiers: Orphanet 140922, MedGen C1837342, MONDO:0012127, OMIM 608807.
Dilated cardiomyopathy 1G (CMD1G). Identifiers: Orphanet 154, MedGen C1858763, MONDO:0011400, OMIM 604145.
Cardiovascular phenotype. Identifiers: MedGen CN230736.

Submissions (4):

Genomic Medicine Lab, University of California San Francisco
Classification: Likely pathogenic for Dilated cardiomyopathy 1G. Last evaluated: 2023-04-06. Review status: criteria provided, single submitter. Criteria: ACMG Guidelines, 2015. Collection method: clinical testing. Allele origin: unknown. Affected: no.

Labcorp Genetics (formerly Invitae), Labcorp
Classification: Likely pathogenic for Dilated cardiomyopathy 1G; Autosomal recessive limb-girdle muscular dystrophy type 2J. Last evaluated: 2023-03-26. Review status: criteria provided, single submitter. Criteria: Invitae Variant Classification Sherloc (09022015). Collection method: clinical testing. Allele origin: germline.
Comment: ClinVar contains an entry for this variant (Variation ID: 466635). This variant is located in the A band of TTN (PMID: 25589632). Truncating variants in this region are significantly overrepresented in patients affected with dilated cardiomyopathy (PMID: 25589632). Truncating variants in this region have also been reported in individuals affected with autosomal recessive centronuclear myopathy (PMID: 23975875). In summary, the currently available evidence indicates that the variant is pathogenic, but additional data are needed to prove that conclusively. Therefore, this variant has been classified as Likely Pathogenic. This variant has not been reported in the literature in individuals affected with TTN-related conditions. This sequence change creates a premature translational stop signal (p.Gln17219Serfs*5) in the TTN gene. While this is not anticipated to result in nonsense mediated decay, it is expected to create a truncated TTN protein. This variant is not present in population databases (gnomAD no frequency).

Ambry Genetics
Classification: Likely pathogenic for Cardiovascular phenotype. Last evaluated: 2020-04-13. Review status: criteria provided, single submitter. Criteria: Ambry Variant Classification Scheme 2023. Collection method: clinical testing. Allele origin: germline.
Comment: The c.24429_24459dup31 variant, located in coding exon 99 of the TTN gene, results from a duplication of AGCAAAAGGACTTGAAGAGGGGAAAGAGTAC at nucleotide position 24429, causing a translational frameshift with a predicted alternate stop codon (p.Q8154Sfs*5). This exon is located in the A-band region of the N2-B isoform of the titin protein and is constitutively expressed in TTN transcripts (percent spliced in or PSI 100%). This alteration is expected to result in loss of function by premature protein truncation or nonsense-mediated mRNA decay. While truncating variants in TTN are present in 1-3% of the general population, truncating variants in the A-band are the most common cause of dilated cardiomyopathy (DCM) (Herman DS et al. N. Engl. J. Med., 2012 Feb;366:619-28; Roberts AM et al. Sci Transl Med, 2015 Jan;7:270ra6). TTN truncating variants encoded in constitutive exons (PSI >90%) have been found to be significantly associated with DCM regardless of their position in titin (Schafer S et al. Nat. Genet., 2017 01;49:46-53). As such, this alteration is classified as likely pathogenic.

GeneDx
Classification: Likely pathogenic. Last evaluated: 2020-01-10. Review status: criteria provided, single submitter. Criteria: GeneDx Variant Classification Process June 2021. Collection method: clinical testing. Allele origin: germline. Affected: yes.
Comment: Has not been previously published as pathogenic or benign to our knowledge; Reported in ClinVar as a likely pathogenic variant (ClinVar Variant ID# 466635; Landrum et al., 2016); Not observed in large population cohorts (Lek et al., 2016); Frameshift variant predicted to result in protein truncation or nonsense mediated decay in a gene for which loss-of-function is a known mechanism of disease; Located in the A-band region of titin, where the majority of truncating pathogenic variants associated with DCM have been reported (Herman et al., 2012)

Literature cited by the submitters: PubMed 25589632 (cited by Labcorp Genetics (formerly Invitae), Labcorp); PubMed 23975875 (cited by Labcorp Genetics (formerly Invitae), Labcorp).